The following is an entry in ClinVar:

NM_014225.6(PPP2R1A):c.1376G>A (p.Arg459His)

Gene: PPP2R1A (protein phosphatase 2 scaffold subunit Aalpha; plus strand). Cytogenetic location: 19q13.41.
Variant type: single nucleotide variant.
Coding change: c.1376G>A on transcript NM_014225.6 (MANE Select); coding-DNA position 1376, G replaced by A.
Protein change: p.Arg459His; replaces arginine 459 with histidine.
Molecular consequence: missense variant. On other transcripts: non-coding transcript variant (1).
Genome position (GRCh38, 1-based): chr19:52,220,991, G>A. VCF-style: chr19-52220991-G-A. GRCh37 (hg19) VCF-style: chr19-52724244-G-A.
Other names: c.839G>A, p.Arg280His (NM_001363656.2); short protein forms R280H, R459H.
Identifiers: ClinVar variation 3685778 (VCV003685778.2).

ClinVar aggregate classification (germline): Uncertain significance (1 of 4 stars; one submission).

gnomAD v4.1: 2 of 1,614,132 alleles (0.00012%); highest among the groups gnomAD compares: Non-Finnish European, 0.00017%; no homozygotes.

Submission:

Labcorp Genetics (formerly Invitae), Labcorp
Classification: Uncertain significance. Last evaluated: 2024-09-26. Review status: criteria provided, single submitter. Criteria: Invitae Variant Classification Sherloc (09022015). Collection method: clinical testing. Allele origin: germline.
Comment: This sequence change replaces arginine, which is basic and polar, with histidine, which is basic and polar, at codon 459 of the PPP2R1A protein (p.Arg459His). This variant is not present in population databases (gnomAD no frequency). This variant has not been reported in the literature in individuals affected with PPP2R1A-related conditions. Invitae Evidence Modeling of protein sequence and biophysical properties (such as structural, functional, and spatial information, amino acid conservation, physicochemical variation, residue mobility, and thermodynamic stability) indicates that this missense variant is expected to disrupt PPP2R1A protein function with a positive predictive value of 80%. In summary, the available evidence is currently insufficient to determine the role of this variant in disease. Therefore, it has been classified as a Variant of Uncertain Significance.